The following is an entry in ClinVar:

ClinVar aggregate classification (germline): Pathogenic/Likely pathogenic. Review status: criteria provided, multiple submitters, no conflicts (2 of 4 stars). 2 submissions from 2 submitters: Pathogenic (1); Likely pathogenic (1). Last evaluated 2025-08-05.

Conditions:
CFTR-related disorder (CFTR-RD). Also called: CFTR-related condition; CFTR-related disorders. Identifiers: MedGen C5924204, MONDO:7770004.
Cystic fibrosis (CF). Also called: MUCOVISCIDOSIS. Identifiers: Orphanet 586, MedGen C0010674, MONDO:0009061, OMIM 219700. Disease mechanism: loss of function.

Submissions (2):

Natera, Inc.
Classification: Likely pathogenic for CFTR-related disorders. Last evaluated: 2025-08-05. Review status: criteria provided, single submitter. Criteria: Natera Variant Classification Schema (03/2026). Collection method: clinical testing. Allele origin: germline.
Comment: The c.3556C>T variant in CFTR is a nonsense variant predicted to introduce a stop codon at amino acid 1186. This variant is expected to result in nonsense mediated decay, truncation, or a dysfunctional protein product. This variant is rare in the general population with a frequency below the threshold expected for the associated phenotype(s). Given the available evidence, this variant is classified as Likely Pathogenic.

Institute of Human Genetics, University of Leipzig Medical Center
Classification: Pathogenic for Cystic fibrosis. Last evaluated: 2022-09-05. Review status: criteria provided, single submitter. Criteria: ACMG Guidelines, 2015. Collection method: curation. Allele origin: unknown. Affected: yes. Observed: 1 variant allele.
Comment: The variant was classified in the context of a project re-classifying variants in the German Cystic Fibrosis Registry (Muko.e.V.). Criteria applied: PVS1, PS3_SUP, PM3, PM2_SUP

NM_000492.4(CFTR):c.3556C>T (p.Gln1186Ter)

Genes: CFTR (CF transmembrane conductance regulator; plus strand), CFTR-AS2 (CFTR antisense RNA 2; minus strand). Cytogenetic location: 7q31.2.
Variant type: single nucleotide variant.
Coding change: c.3556C>T on transcript NM_000492.4 (MANE Select); coding-DNA position 3556, C replaced by T.
Protein change: p.Gln1186Ter; replaces glutamine 1186 with a stop codon.
Molecular consequence: nonsense.
Genome position (GRCh38, 1-based): chr7:117,627,609, C>T. VCF-style: chr7-117627609-C-T. GRCh37 (hg19) VCF-style: chr7-117267663-C-T.
Other names: Q1186X; short protein forms Q1186*.
Identifiers: ClinVar variation 1706057 (VCV001706057.2), dbSNP rs397508582, ClinGen allele CA327230.